The following is an entry in ClinVar:

NM_016169.4(SUFU):c.523C>A (p.Gln175Lys)

Gene: SUFU (SUFU negative regulator of hedgehog signaling; plus strand). Cytogenetic location: 10q24.32.
Variant type: single nucleotide variant.
Coding change: c.523C>A on transcript NM_016169.4 (MANE Select); coding-DNA position 523, C replaced by A.
Protein change: p.Gln175Lys; replaces glutamine 175 with lysine.
Molecular consequence: missense variant.
Genome position (GRCh38, 1-based): chr10:102,592,650, C>A. VCF-style: chr10-102592650-C-A. GRCh37 (hg19) VCF-style: chr10-104352407-C-A.
Other names: c.523C>A, p.Gln175Lys (NM_001178133.2); short protein forms Q175K.
Identifiers: ClinVar variation 5030378 (VCV005030378.1).

ClinVar aggregate classification (germline): Uncertain significance (1 of 4 stars; one submission).

Conditions:
Hereditary cancer-predisposing syndrome. Also called: Neoplastic Syndromes, Hereditary; Tumor predisposition; Hereditary neoplastic syndrome; Hereditary Cancer Syndrome. Identifiers: Orphanet 140162, MedGen C0027672, MeSH D009386, MONDO:0015356.

Submission:

Ambry Genetics
Classification: Uncertain significance for Hereditary cancer-predisposing syndrome. Last evaluated: 2026-07-06. Review status: criteria provided, single submitter. Criteria: Ambry Variant Classification Scheme 2023. Collection method: clinical testing. Allele origin: germline.
Comment: The p.Q175K variant (also known as c.523C>A), located in coding exon 4 of the SUFU gene, results from a C to A substitution at nucleotide position 523. The glutamine at codon 175 is replaced by lysine, an amino acid with similar properties. This amino acid position is conserved. In addition, this alteration is predicted to be deleterious by in silico analysis. Based on the available evidence, the clinical significance of this variant remains unclear.